The following is an entry in ClinVar:

NM_000368.5(TSC1):c.1263+8C>T

Gene: TSC1 (TSC complex subunit 1; minus strand). Cytogenetic location: 9q34.13.
Variant type: single nucleotide variant.
Coding change: c.1263+8C>T on transcript NM_000368.5 (MANE Select); 8 bases into the intron after coding-DNA position 1263, C replaced by T.
Molecular consequence: intron variant.
Genome position (GRCh38, 1-based): chr9:132,910,563, G>A on the plus strand (C>T on the coding strand, the complement: TSC1 is on the minus strand). VCF-style: chr9-132910563-G-A. GRCh37 (hg19) VCF-style: chr9-135785950-G-A.
Other names: c.897+8C>T (NM_001406620.1, NM_001406625.1, NM_001406621.1 and 2 more transcripts); c.900+8C>T (NM_001406618.1, NM_001406617.1, NM_001406619.1 and 5 more transcripts); c.1107+8C>T (NM_001406613.1, NM_001406612.1, NM_001406611.1); c.1110+8C>T (NM_001406610.1, NM_001162427.2); c.309+8C>T (NM_001406627.1, NM_001406628.1); c.210+8C>T (NM_001406629.1, NM_001406630.1); c.1260+8C>T (NM_001406603.1, NM_001406609.1, NM_001406597.1 and 6 more transcripts); c.1263+8C>T (NM_001406602.1, NM_001406606.1, NM_001406592.1 and 7 more transcripts); and 1 more.
Identifiers: ClinVar variation 2754895 (VCV002754895.4), dbSNP rs2131937223, ClinGen allele CA2697558142.
Genomic context (GRCh38, chr9:132,910,563, plus strand): 5'-CTCAAAGTGAGGCTTGCAAGTGAGTCACTGTGCCTGGGCAGAGGGATAGCAGACGAGCTG[G>A]ATCGCACCTTCCTGGGGGGTGTGACTGTGGCCTGGGGGAGTGAAATGTGCACGTAGTCAT-3'

ClinVar aggregate classification (germline): Likely benign. Review status: criteria provided, multiple submitters, no conflicts (2 of 4 stars). 2 submissions from 2 submitters: Likely benign (2). Last evaluated 2025-04-09.

Conditions:
Tuberous sclerosis 1 (TSC1). Identifiers: Orphanet 805, MedGen C1854465, MONDO:0008612, OMIM 191100.

Submissions (2):

Myriad Genetics, Inc.
Classification: Likely benign for Tuberous sclerosis 1. Last evaluated: 2025-04-09. Review status: criteria provided, single submitter. Criteria: Myriad Autosomal Dominant, Autosomal Recessive and X-Linked Classification Criteria (2023). Collection method: clinical testing. Allele origin: unknown.
Comment: This variant is considered likely benign. This variant is intronic and is not expected to impact mRNA splicing.

Labcorp Genetics (formerly Invitae), Labcorp
Classification: Likely benign for Tuberous sclerosis 1. Last evaluated: 2023-10-30. Review status: criteria provided, single submitter. Criteria: Invitae Variant Classification Sherloc (09022015). Collection method: clinical testing. Allele origin: germline.